The following is an entry in ClinVar:

ClinVar aggregate classification (germline): Uncertain significance (1 of 4 stars; one submission).

Conditions:
Wilms tumor 1 (WT1). Also called: Wilms tumor, somatic. Identifiers: Orphanet 654, MedGen CN033288, MONDO:0008679, OMIM 194070.

Submission:

Labcorp Genetics (formerly Invitae), Labcorp
Classification: Uncertain significance for Wilms tumor 1. Last evaluated: 2024-04-01. Review status: criteria provided, single submitter. Criteria: Invitae Variant Classification Sherloc (09022015). Collection method: clinical testing. Allele origin: germline.
Comment: This sequence change replaces tyrosine, which is neutral and polar, with aspartic acid, which is acidic and polar, at codon 179 of the GPC3 protein (p.Tyr179Asp). This variant is not present in population databases (gnomAD no frequency). This variant has not been reported in the literature in individuals affected with GPC3-related conditions. Advanced modeling of protein sequence and biophysical properties (such as structural, functional, and spatial information, amino acid conservation, physicochemical variation, residue mobility, and thermodynamic stability) performed at Invitae indicates that this missense variant is expected to disrupt GPC3 protein function with a positive predictive value of 80%. In summary, the available evidence is currently insufficient to determine the role of this variant in disease. Therefore, it has been classified as a Variant of Uncertain Significance.

NM_004484.4(GPC3):c.535T>G (p.Tyr179Asp)

Gene: GPC3 (glypican 3; minus strand). Cytogenetic location: Xq26.2.
Variant type: single nucleotide variant.
Coding change: c.535T>G on transcript NM_004484.4 (MANE Select); coding-DNA position 535, T replaced by G.
Protein change: p.Tyr179Asp; replaces tyrosine 179 with aspartic acid.
Molecular consequence: missense variant.
Genome position (GRCh38, 1-based): chrX:133,753,979, A>C on the plus strand (T>G on the coding strand, the complement: GPC3 is on the minus strand). VCF-style: chrX-133753979-A-C. GRCh37 (hg19) VCF-style: chrX-132888006-A-C.
Other names: c.535T>G, p.Tyr179Asp (NM_001164617.2); c.487T>G, p.Tyr163Asp (NM_001164618.2); c.373T>G, p.Tyr125Asp (NM_001164619.2); short protein forms Y125D, Y163D, Y179D.
Identifiers: ClinVar variation 2745534 (VCV002745534.3), dbSNP rs2521357270, ClinGen allele CA414706404.